The following is an entry in ClinVar:

ClinVar aggregate classification (germline): Uncertain significance (1 of 4 stars; one submission).

Conditions:
Welander distal myopathy (WDM). Also called: Welander distal myopathy, Swedish type; Distal myopathy, Swedish type; Gower's muscular dystrophy; MUSCULAR DYSTROPHY, DISTAL, LATE-ONSET, AUTOSOMAL DOMINANT. Identifiers: Orphanet 603, MedGen C0221054, MONDO:0011466, OMIM 604454.

Submission:

Labcorp Genetics (formerly Invitae), Labcorp
Classification: Uncertain significance for Welander distal myopathy. Last evaluated: 2024-07-16. Review status: criteria provided, single submitter. Criteria: Invitae Variant Classification Sherloc (09022015). Collection method: clinical testing. Allele origin: germline.
Comment: This sequence change replaces cysteine, which is neutral and slightly polar, with serine, which is neutral and polar, at codon 218 of the TIA1 protein (p.Cys218Ser). This variant is not present in population databases (gnomAD no frequency). This variant has not been reported in the literature in individuals affected with TIA1-related conditions. Advanced modeling of protein sequence and biophysical properties (such as structural, functional, and spatial information, amino acid conservation, physicochemical variation, residue mobility, and thermodynamic stability) performed at Invitae indicates that this missense variant is not expected to disrupt TIA1 protein function with a negative predictive value of 80%. In summary, the available evidence is currently insufficient to determine the role of this variant in disease. Therefore, it has been classified as a Variant of Uncertain Significance.

NM_022173.4(TIA1):c.653G>C (p.Cys218Ser)

Gene: TIA1 (TIA1 cytotoxic granule associated RNA binding protein; minus strand). Cytogenetic location: 2p13.3.
Variant type: single nucleotide variant.
Coding change: c.653G>C on transcript NM_022173.4 (MANE Select); coding-DNA position 653, G replaced by C.
Protein change: p.Cys218Ser; replaces cysteine 218 with serine.
Molecular consequence: missense variant. On other transcripts: non-coding transcript variant (17).
Genome position (GRCh38, 1-based): chr2:70,216,430, C>G on the plus strand (G>C on the coding strand, the complement: TIA1 is on the minus strand). VCF-style: chr2-70216430-C-G. GRCh37 (hg19) VCF-style: chr2-70443562-C-G.
Other names: c.653G>C, p.Cys218Ser (NM_001351508.2, NM_001351516.2); c.626G>C, p.Cys209Ser (NM_001351509.2); c.620G>C, p.Cys207Ser (NM_001351510.2, NM_022037.4); c.542G>C, p.Cys181Ser (NM_001351511.1); c.515G>C, p.Cys172Ser (NM_001351512.1); c.509G>C, p.Cys170Ser (NM_001351513.1); c.425G>C, p.Cys142Ser (NM_001351514.2); c.350G>C, p.Cys117Ser (NM_001351515.2); and 1 more; short protein forms C172S, C181S, C218S, C209S, C142S, C170S, C207S, C117S.
Identifiers: ClinVar variation 3659658 (VCV003659658.2).
Genomic context (GRCh38, chr2:70,216,430, plus strand): 5'-AAAAATTAATGCCACACAGGGAAGGCTCCCATACCTGTTAGCCCAGAAGTAACACCTCCA[C>G]AGTATACAGTACAGTTGCTTGGACTAGACTGATTTACAACCTCATCATATGATAGCTGTT-3'
Protein context (NP_071505.2, residues 208-228): QSSPSNCTVY[Cys218Ser]GGVTSGLTEQ